The following is an entry in ClinVar:

ClinVar aggregate classification (germline): Benign (1 of 4 stars; one submission).

Allele frequency attached by ClinVar (database versions not stated): gnomAD exomes 0.00156; 1000 Genomes Project 0.01378; gnomAD 0.01395 and 0.01499; TOPMed 0.01606; 1000 Genomes Project 30x 0.01640.
gnomAD v4.1: 3,902 of 1,255,198 alleles (0.31%); highest among the groups gnomAD compares: African/African-American, 4.9%; 92 homozygotes.

Submission:

GeneDx
Classification: Benign. Last evaluated: 2018-06-19. Review status: criteria provided, single submitter. Criteria: GeneDx Variant Classification (06012015). Collection method: clinical testing. Allele origin: germline. Affected: yes.
Comment: This variant is considered likely benign or benign based on one or more of the following criteria: it is a conservative change, it occurs at a poorly conserved position in the protein, it is predicted to be benign by multiple in silico algorithms, and/or has population frequency not consistent with disease.

NM_003384.3(VRK1):c.709+143G>A

Gene: VRK1 (VRK serine/threonine kinase 1; plus strand). Cytogenetic location: 14q32.2.
Variant type: single nucleotide variant.
Coding change: c.709+143G>A on transcript NM_003384.3 (MANE Select); 143 bases into the intron after coding-DNA position 709, G replaced by A.
Molecular consequence: intron variant.
Genome position (GRCh38, 1-based): chr14:96,855,499, G>A. VCF-style: chr14-96855499-G-A. GRCh37 (hg19) VCF-style: chr14-97321836-G-A.
Identifiers: ClinVar variation 678412 (VCV000678412.1), dbSNP rs74076164, ClinGen allele CA266079845.